The following is an entry in ClinVar:

ClinVar aggregate classification (germline): Uncertain significance. Review status: criteria provided, multiple submitters, no conflicts (2 of 4 stars). 2 submissions from 2 submitters: Uncertain significance (2). Last evaluated 2025-08-12.

Allele frequency attached by ClinVar (database versions not stated): gnomAD 0.00001; gnomAD exomes 0.00001; TOPMed 0.00004; ExAC 0.00005.
gnomAD v4.1: 13 of 1,603,874 alleles (0.00081%); highest among the groups gnomAD compares: East Asian, 0.0022%; no homozygotes.

Submissions (2):

Ambry Genetics
Classification: Uncertain significance. Last evaluated: 2025-08-12. Review status: criteria provided, single submitter. Criteria: Ambry Variant Classification Scheme 2023. Collection method: clinical testing. Allele origin: germline.

Labcorp Genetics (formerly Invitae), Labcorp
Classification: Uncertain significance. Last evaluated: 2025-07-27. Review status: criteria provided, single submitter. Criteria: Invitae Variant Classification Sherloc (09022015). Collection method: clinical testing. Allele origin: germline.
Comment: This sequence change replaces proline, which is neutral and non-polar, with leucine, which is neutral and non-polar, at codon 560 of the PLEKHM2 protein (p.Pro560Leu). The frequency data for this variant in the population databases is considered unreliable, as metrics indicate poor data quality at this position in the gnomAD database. This variant has not been reported in the literature in individuals affected with PLEKHM2-related conditions. ClinVar contains an entry for this variant (Variation ID: 2061726). An algorithm developed to predict the effect of missense changes on protein structure and function (PolyPhen-2) suggests that this variant is likely to be disruptive. In summary, the available evidence is currently insufficient to determine the role of this variant in disease. Therefore, it has been classified as a Variant of Uncertain Significance.

NM_015164.4(PLEKHM2):c.1679C>T (p.Pro560Leu)

Gene: PLEKHM2 (pleckstrin homology and RUN domain containing M2; plus strand). Cytogenetic location: 1p36.21.
Variant type: single nucleotide variant.
Coding change: c.1679C>T on transcript NM_015164.4 (MANE Select); coding-DNA position 1679, C replaced by T.
Protein change: p.Pro560Leu; replaces proline 560 with leucine.
Molecular consequence: missense variant.
Genome position (GRCh38, 1-based): chr1:15,727,751, C>T. VCF-style: chr1-15727751-C-T. GRCh37 (hg19) VCF-style: chr1-16054246-C-T.
Other names: c.1619C>T, p.Pro540Leu (NM_001410755.1); c.1679C>T (NM_015164.2); short protein forms P540L, P560L.
Identifiers: ClinVar variation 2061726 (VCV002061726.5), dbSNP rs777313934, ClinGen allele CA616974.